The following is an entry in ClinVar:

ClinVar aggregate classification (germline): Uncertain significance (1 of 4 stars; one submission).

Conditions:
Evans syndrome, immunodeficiency, and premature immunosenescence associated with tripeptidyl-peptidase II deficiency. Identifiers: MedGen CN231723. Disease mechanism: loss of function.

Allele frequency attached by ClinVar (database versions not stated): gnomAD exomes below 0.00001 and 0.00002; gnomAD 0.00001; TOPMed 0.00001.
gnomAD v4.1: 27 of 1,601,756 alleles (0.0017%); highest among the groups gnomAD compares: Non-Finnish European, 0.0022%; no homozygotes.

Submission:

Labcorp Genetics (formerly Invitae), Labcorp
Classification: Uncertain significance for Evans syndrome, immunodeficiency, and premature immunosenescence associated with tripeptidyl-peptidase II deficiency. Last evaluated: 2022-02-02. Review status: criteria provided, single submitter. Criteria: Invitae Variant Classification Sherloc (09022015). Collection method: clinical testing. Allele origin: germline.
Comment: Algorithms developed to predict the effect of missense changes on protein structure and function (SIFT, PolyPhen-2, Align-GVGD) all suggest that this variant is likely to be tolerated. This sequence change replaces isoleucine, which is neutral and non-polar, with valine, which is neutral and non-polar, at codon 294 of the TPP2 protein (p.Ile294Val). This variant is present in population databases (no rsID available, gnomAD 0.0009%). This variant has not been reported in the literature in individuals affected with TPP2-related conditions. ClinVar contains an entry for this variant (Variation ID: 834964). In summary, the available evidence is currently insufficient to determine the role of this variant in disease. Therefore, it has been classified as a Variant of Uncertain Significance.

NM_001330588.2(TPP2):c.880A>G (p.Ile294Val)

Gene: TPP2 (tripeptidyl peptidase 2; plus strand). Cytogenetic location: 13q33.1.
Variant type: single nucleotide variant.
Coding change: c.880A>G on transcript NM_001330588.2 (MANE Select); coding-DNA position 880, A replaced by G.
Protein change: p.Ile294Val; replaces isoleucine 294 with valine.
Molecular consequence: missense variant. On other transcripts: non-coding transcript variant (1).
Genome position (GRCh38, 1-based): chr13:102,627,107, A>G. VCF-style: chr13-102627107-A-G. GRCh37 (hg19) VCF-style: chr13-103279457-A-G.
Other names: c.880A>G, p.Ile294Val (NM_001367947.1, NM_003291.4); short protein forms I294V.
Identifiers: ClinVar variation 834964 (VCV000834964.9), dbSNP rs1156943458, ClinGen allele CA388480099.